The following is an entry in ClinVar:

NM_031220.4(PITPNM3):c.1810G>A (p.Ala604Thr)

Gene: PITPNM3 (PITPNM family member 3; minus strand). Cytogenetic location: 17p13.2.
Variant type: single nucleotide variant.
Coding change: c.1810G>A on transcript NM_031220.4 (MANE Select); coding-DNA position 1810, G replaced by A.
Protein change: p.Ala604Thr; replaces alanine 604 with threonine.
Molecular consequence: missense variant.
Genome position (GRCh38, 1-based): chr17:6,468,305, C>T on the plus strand (G>A on the coding strand, the complement: PITPNM3 is on the minus strand). VCF-style: chr17-6468305-C-T. GRCh37 (hg19) VCF-style: chr17-6371625-C-T.
Other names: c.1702G>A, p.Ala568Thr (NM_001165966.2); short protein forms A568T, A604T.
Identifiers: ClinVar variation 1011061 (VCV001011061.8), dbSNP rs775717066, ClinGen allele CA8329374.

ClinVar aggregate classification (germline): Uncertain significance (1 of 4 stars; one submission).

Allele frequency attached by ClinVar (database versions not stated): gnomAD exomes below 0.00001 and 0.00001; TOPMed below 0.00001; ExAC 0.00001.
gnomAD v4.1: 10 of 1,614,008 alleles (0.00062%); highest among the groups gnomAD compares: South Asian, 0.0044%; no homozygotes.

Submission:

Labcorp Genetics (formerly Invitae), Labcorp
Classification: Uncertain significance. Last evaluated: 2025-04-13. Review status: criteria provided, single submitter. Criteria: Invitae Variant Classification Sherloc (09022015). Collection method: clinical testing. Allele origin: germline.
Comment: This sequence change replaces alanine, which is neutral and non-polar, with threonine, which is neutral and polar, at codon 604 of the PITPNM3 protein (p.Ala604Thr). This variant is present in population databases (rs775717066, gnomAD 0.003%). This variant has not been reported in the literature in individuals affected with PITPNM3-related conditions. ClinVar contains an entry for this variant (Variation ID: 1011061). Invitae Evidence Modeling of protein sequence and biophysical properties (such as structural, functional, and spatial information, amino acid conservation, physicochemical variation, residue mobility, and thermodynamic stability) indicates that this missense variant is not expected to disrupt PITPNM3 protein function with a negative predictive value of 80%. In summary, the available evidence is currently insufficient to determine the role of this variant in disease. Therefore, it has been classified as a Variant of Uncertain Significance.